The following is an entry in ClinVar:

NM_016816.4(OAS1):c.22C>G (p.Pro8Ala)

Genes: OAS1 (2'-5'-oligoadenylate synthetase 1; plus strand), LOC130008812 (ATAC-STARR-seq lymphoblastoid active region 7052; plus strand). Cytogenetic location: 12q24.13.
Variant type: single nucleotide variant.
Coding change: c.22C>G on transcript NM_016816.4 (MANE Select); coding-DNA position 22, C replaced by G.
Protein change: p.Pro8Ala; replaces proline 8 with alanine.
Molecular consequence: missense variant.
Genome position (GRCh38, 1-based): chr12:112,907,061, C>G. VCF-style: chr12-112907061-C-G. GRCh37 (hg19) VCF-style: chr12-113344866-C-G.
Other names: c.22C>G, p.Pro8Ala (NM_001032409.3, NM_001320151.2, NM_002534.4); c.22C>G (NM_016816.2); short protein forms P8A.
Identifiers: ClinVar variation 1489301 (VCV001489301.9), dbSNP rs776721646, ClinGen allele CA386798150.

ClinVar aggregate classification (germline): Uncertain significance. Review status: criteria provided, multiple submitters, no conflicts (2 of 4 stars). 2 submissions from 2 submitters: Uncertain significance (2). Last evaluated 2025-09-23.

Allele frequency attached by ClinVar (database versions not stated): gnomAD 0.00002; TOPMed 0.00002.

Submissions (2):

Labcorp Genetics (formerly Invitae), Labcorp
Classification: Uncertain significance. Last evaluated: 2025-09-23. Review status: criteria provided, single submitter. Criteria: Invitae Variant Classification Sherloc (09022015). Collection method: clinical testing. Allele origin: germline.
Comment: This sequence change replaces proline, which is neutral and non-polar, with alanine, which is neutral and non-polar, at codon 8 of the OAS1 protein (p.Pro8Ala). This variant is present in population databases (no rsID available, gnomAD 0.005%). This variant has not been reported in the literature in individuals affected with OAS1-related conditions. ClinVar contains an entry for this variant (Variation ID: 1489301). An algorithm developed to predict the effect of missense changes on protein structure and function (PolyPhen-2) suggests that this variant is likely to be tolerated. In summary, the available evidence is currently insufficient to determine the role of this variant in disease. Therefore, it has been classified as a Variant of Uncertain Significance.

Ambry Genetics
Classification: Uncertain significance. Last evaluated: 2025-02-19. Review status: criteria provided, single submitter. Criteria: Ambry Variant Classification Scheme 2023. Collection method: clinical testing. Allele origin: germline.